The following is an entry in ClinVar:

ClinVar aggregate classification (germline): Conflicting classifications of pathogenicity. Review status: criteria provided, conflicting classifications (1 of 4 stars). 2 submissions from 2 submitters: Pathogenic (1); Uncertain significance (1). Last evaluated 2023-12-30.

Conditions:
Marfan syndrome (MFS). Also called: Marfan syndrome, classic; FBN1-Related Marfan Syndrome; Marfan syndrome type 1; Marfan's syndrome; MARFAN SYNDROME, TYPE I. Identifiers: Orphanet 284963, Orphanet 558, MedGen C0024796, MONDO:0007947, OMIM 154700.
Familial thoracic aortic aneurysm and aortic dissection (TAAD). Also called: Thoracic aortic aneurysms and dissections. Identifiers: Orphanet 91387, MedGen C4707243, MONDO:0019625.

Submissions (2):

Labcorp Genetics (formerly Invitae), Labcorp
Classification: Pathogenic for Marfan syndrome; Familial thoracic aortic aneurysm and aortic dissection. Last evaluated: 2023-12-30. Review status: criteria provided, single submitter. Criteria: Invitae Variant Classification Sherloc (09022015). Collection method: clinical testing. Allele origin: germline.
Comment: This sequence change replaces alanine, which is neutral and non-polar, with proline, which is neutral and non-polar, at codon 691 of the FBN1 protein (p.Ala691Pro). This variant is not present in population databases (gnomAD no frequency). This missense change has been observed in individuals with Marfan syndrome (Invitae). It has also been observed to segregate with disease in related individuals. ClinVar contains an entry for this variant (Variation ID: 199987). Advanced modeling of protein sequence and biophysical properties (such as structural, functional, and spatial information, amino acid conservation, physicochemical variation, residue mobility, and thermodynamic stability) performed at Invitae indicates that this missense variant is expected to disrupt FBN1 protein function with a positive predictive value of 95%. For these reasons, this variant has been classified as Pathogenic.

GeneDx
Classification: Uncertain significance. Last evaluated: 2014-02-16. Review status: criteria provided, single submitter. Criteria: GeneDx Variant Classification (06012015). Collection method: clinical testing. Allele origin: germline. Affected: yes.
Comment: p.Ala691Pro (GCA>CCA): c.2071 G>C in exon 17 of the FBN1 gene (NM_000138.4) The A691P variant in the FBN1 gene has not been reported as a disease-causing mutation or as a benign polymorphism to our knowledge. A691P results in a semi-conservative amino acid substitution of one uncharged, non-polar amino acid for another; however it alters a position that is highly conserved across species. Other missense mutations in nearby residues (A686T, C699S) have been reported in association with Marfan syndrome or other FBN1-related disorder, supporting the functional importance of this region of the protein. The A691P variant was not observed in approximately 6,500 individuals of European and African American ancestry in the NHLBI Exome Sequencing Project, indicating it is not a common benign variant in these populations. In silico algorithms are not consistent in their predictions but at least two concur that A691P is damaging to the protein structure/function.With the clinical and molecular information available at this time, we cannot definitively determine if A691P is a disease-causing mutation or a rare benign variant. The variant is found in TAAD panel(s).

NM_000138.5(FBN1):c.2071G>C (p.Ala691Pro)

Gene: FBN1 (fibrillin 1; minus strand). Cytogenetic location: 15q21.1.
Variant type: single nucleotide variant.
Coding change: c.2071G>C on transcript NM_000138.5 (MANE Select); coding-DNA position 2071, G replaced by C.
Protein change: p.Ala691Pro; replaces alanine 691 with proline.
Molecular consequence: missense variant.
Genome position (GRCh38, 1-based): chr15:48,503,829, C>G on the plus strand (G>C on the coding strand, the complement: FBN1 is on the minus strand). VCF-style: chr15-48503829-C-G. GRCh37 (hg19) VCF-style: chr15-48796026-C-G.
Other names: p.A691P:GCA>CCA; short protein forms A691P.
Identifiers: ClinVar variation 199987 (VCV000199987.10), dbSNP rs794728183, ClinGen allele CA012772.